The following is an entry in ClinVar:

ClinVar aggregate classification (germline): Uncertain significance (1 of 4 stars; one submission).

Conditions:
BAP1-related tumor predisposition syndrome (TPDS1). Also called: Tumor susceptibility linked to germline BAP1 mutations; TUMOR PREDISPOSITION SYNDROME 1; COMMON Syndrome; BAP1 tumor predisposition syndrome. Identifiers: Orphanet 289539, MedGen C3280492, MONDO:0013692, OMIM 614327.

Submission:

Labcorp Genetics (formerly Invitae), Labcorp
Classification: Uncertain significance for BAP1-related tumor predisposition syndrome. Last evaluated: 2018-09-05. Review status: criteria provided, single submitter. Criteria: Invitae Variant Classification Sherloc (09022015). Collection method: clinical testing. Allele origin: germline.
Comment: This sequence change replaces valine with leucine at codon 77 of the BAP1 protein (p.Val77Leu). The valine residue is highly conserved and there is a small physicochemical difference between valine and leucine. This variant is not present in population databases (ExAC no frequency). This variant has not been reported in the literature in individuals with BAP1-related disease. Algorithms developed to predict the effect of missense changes on protein structure and function are either unavailable or do not agree on the potential impact of this missense change (SIFT: "Tolerated"; PolyPhen-2: "Possibly Damaging"; Align-GVGD: "Class C0"). In summary, the available evidence is currently insufficient to determine the role of this variant in disease. Therefore, it has been classified as a Variant of Uncertain Significance.

NM_004656.4(BAP1):c.229G>T (p.Val77Leu)

Gene: BAP1 (BRCA1 associated deubiquitinase 1; minus strand). Cytogenetic location: 3p21.1.
Variant type: single nucleotide variant.
Coding change: c.229G>T on transcript NM_004656.4 (MANE Select); coding-DNA position 229, G replaced by T.
Protein change: p.Val77Leu; replaces valine 77 with leucine.
Molecular consequence: missense variant.
Genome position (GRCh38, 1-based): chr3:52,408,500, C>A on the plus strand (G>T on the coding strand, the complement: BAP1 is on the minus strand). VCF-style: chr3-52408500-C-A. GRCh37 (hg19) VCF-style: chr3-52442516-C-A.
Other names: short protein forms V77L.
Identifiers: ClinVar variation 647078 (VCV000647078.6), dbSNP rs1578228040, ClinGen allele CA353113058.